The following is an entry in ClinVar:

ClinVar aggregate classification (germline): Uncertain significance. Review status: criteria provided, multiple submitters, no conflicts (2 of 4 stars). 2 submissions from 2 submitters: Uncertain significance (2). Last evaluated 2026-07-19.

Conditions:
Inborn genetic diseases. Identifiers: MedGen C0950123, MeSH D030342.
Inclusion body myopathy with Paget disease of bone and frontotemporal dementia. Also called: Inclusion body myopathy with early-onset Paget disease and frontotemporal dementia. Identifiers: Orphanet 52430, MedGen C1833662, MONDO:0000507.
Frontotemporal dementia and/or amyotrophic lateral sclerosis 6 (FTDALS6). Also called: VCP-Related Amyotrophic Lateral Sclerosis; VCP-Related Amyotrophic Lateral Sclerosis/Frontotemporal Dementia. Identifiers: Orphanet 275872, Orphanet 803, MedGen C5436279, MONDO:0013501, OMIM 613954.

Allele frequency attached by ClinVar (database versions not stated): ExAC 0.00001; gnomAD exomes 0.00001; TOPMed 0.00001.
gnomAD v4.1: 4 of 1,614,120 alleles (0.00025%); highest among the groups gnomAD compares: South Asian, 0.0033%; no homozygotes.

Submissions (2):

Ambry Genetics
Classification: Uncertain significance for Inborn genetic diseases. Last evaluated: 2026-07-19. Review status: criteria provided, single submitter. Criteria: Ambry Variant Classification Scheme 2023. Collection method: clinical testing. Allele origin: germline.
Comment: The c.355A>G (p.I119V) alteration is located in exon 4 (coding exon 4) of the VCP gene. This alteration results from a A to G substitution at nucleotide position 355, causing the isoleucine (I) at amino acid position 119 to be replaced by a valine (V). Based on data from gnomAD, the G allele has an overall frequency of <0.001% (1/251496) total alleles studied. The highest observed frequency was 0.003% (1/30616) of South Asian alleles. Based on insufficient or conflicting evidence, the clinical significance of this alteration remains unclear.

Labcorp Genetics (formerly Invitae), Labcorp
Classification: Uncertain significance for Inclusion body myopathy with Paget disease of bone and frontotemporal dementia; Frontotemporal dementia and/or amyotrophic lateral sclerosis 6. Last evaluated: 2024-11-09. Review status: criteria provided, single submitter. Criteria: Invitae Variant Classification Sherloc (09022015). Collection method: clinical testing. Allele origin: germline.
Comment: This sequence change replaces isoleucine, which is neutral and non-polar, with valine, which is neutral and non-polar, at codon 119 of the VCP protein (p.Ile119Val). This variant is present in population databases (rs776815786, gnomAD 0.003%). This variant has not been reported in the literature in individuals affected with VCP-related conditions. ClinVar contains an entry for this variant (Variation ID: 2175742). Invitae Evidence Modeling of protein sequence and biophysical properties (such as structural, functional, and spatial information, amino acid conservation, physicochemical variation, residue mobility, and thermodynamic stability) indicates that this missense variant is not expected to disrupt VCP protein function with a negative predictive value of 80%. In summary, the available evidence is currently insufficient to determine the role of this variant in disease. Therefore, it has been classified as a Variant of Uncertain Significance.

NM_007126.5(VCP):c.355A>G (p.Ile119Val)

Gene: VCP (valosin containing protein; minus strand). Cytogenetic location: 9p13.3.
Variant type: single nucleotide variant.
Coding change: c.355A>G on transcript NM_007126.5 (MANE Select); coding-DNA position 355, A replaced by G.
Protein change: p.Ile119Val; replaces isoleucine 119 with valine.
Molecular consequence: missense variant.
Genome position (GRCh38, 1-based): chr9:35,066,765, T>C on the plus strand (A>G on the coding strand, the complement: VCP is on the minus strand). VCF-style: chr9-35066765-T-C. GRCh37 (hg19) VCF-style: chr9-35066762-T-C.
Other names: c.220A>G, p.Ile74Val (NM_001354927.2, NM_001354928.2); short protein forms I119V, I74V.
Identifiers: ClinVar variation 2175742 (VCV002175742.5), dbSNP rs776815786, ClinGen allele CA5039493.
Genomic context (GRCh38, chr9:35,066,765, plus strand): 5'-AGTACGGCTTAAGGTATACCTCGAAGAGATTACCAGTAATGCCTTCCACTGTGTCATCAA[T>C]GGGCAGCACATGGATACGTTTGCCGTACTTCACATCAGGGCATGGCTGGATGCTGAGGAT-3'
Protein context (NP_009057.1, residues 109-129): KYGKRIHVLP[Ile119Val]DDTVEGITGN